The following is an entry in ClinVar:

NM_001042413.2(GLIS3):c.928G>A (p.Asp310Asn)

Gene: GLIS3 (GLIS family zinc finger 3; minus strand). Cytogenetic location: 9p24.2.
Variant type: single nucleotide variant.
Coding change: c.928G>A on transcript NM_001042413.2 (MANE Select); coding-DNA position 928, G replaced by A.
Protein change: p.Asp310Asn; replaces aspartic acid 310 with asparagine.
Molecular consequence: missense variant.
Genome position (GRCh38, 1-based): chr9:4,118,550, C>T on the plus strand (G>A on the coding strand, the complement: GLIS3 is on the minus strand). VCF-style: chr9-4118550-C-T. GRCh37 (hg19) VCF-style: chr9-4118550-C-T.
Other names: c.463G>A, p.Asp155Asn (NM_152629.4); short protein forms D155N, D310N.
Identifiers: ClinVar variation 3376080 (VCV003376080.2).

ClinVar aggregate classification (germline): Uncertain significance. Review status: criteria provided, multiple submitters, no conflicts (2 of 4 stars). 2 submissions from 2 submitters: Uncertain significance (2). Last evaluated 2024-11-28.

Conditions:
Inborn genetic diseases. Identifiers: MedGen C0950123, MeSH D030342.

Submissions (2):

Ambry Genetics
Classification: Uncertain significance for Inborn genetic diseases. Last evaluated: 2024-11-28. Review status: criteria provided, single submitter. Criteria: Ambry Variant Classification Scheme 2023. Collection method: clinical testing. Allele origin: germline.

GeneDx
Classification: Uncertain significance. Last evaluated: 2024-05-08. Review status: criteria provided, single submitter. Criteria: GeneDx Variant Classification Process June 2021. Collection method: clinical testing. Allele origin: germline. Affected: yes.
Comment: Not observed at significant frequency in large population cohorts (gnomAD); In silico analysis indicates that this missense variant does not alter protein structure/function; Has not been previously published as pathogenic or benign to our knowledge